The following is an entry in ClinVar:

NM_053274.3(GLMN):c.108C>A (p.Cys36Ter)

Gene: GLMN (glomulin; minus strand). Cytogenetic location: 1p22.1.
Variant type: single nucleotide variant.
Coding change: c.108C>A on transcript NM_053274.3 (MANE Select); coding-DNA position 108, C replaced by A.
Protein change: p.Cys36Ter; replaces cysteine 36 with a stop codon.
Molecular consequence: nonsense. On other transcripts: non-coding transcript variant (1).
Genome position (GRCh38, 1-based): chr1:92,297,461, G>T on the plus strand (C>A on the coding strand, the complement: GLMN is on the minus strand). VCF-style: chr1-92297461-G-T. GRCh37 (hg19) VCF-style: chr1-92763018-G-T.
Other names: c.108C>A, p.Cys36Ter (NM_001319683.2); short protein forms C36*.
Identifiers: ClinVar variation 523551 (VCV000523551.53), dbSNP rs770780171, ClinGen allele CA950680.

ClinVar aggregate classification (germline): Pathogenic/Likely pathogenic. Review status: criteria provided, multiple submitters, no conflicts (2 of 4 stars). 11 submissions from 11 submitters: Pathogenic (8); Likely pathogenic (1). 2 of the submissions do not count toward it. Last evaluated 2026-08-05.

Conditions:
GLMN-related disorder. Also called: GLMN-related condition.
GLMN-related disorders.
Glomuvenous malformation. Also called: VENOUS MALFORMATIONS WITH GLOMUS CELLS; Familial glomangioma; GLOMANGIOMAS, MULTIPLE; GLOMUS TUMORS, MULTIPLE. Identifiers: Orphanet 83454, MedGen C1841984, MONDO:0007672, OMIM 138000.
Venous malformation (VM). Identifiers: MedGen C2937220, HP:0012721. Disease mechanism: gain of function.

Allele frequency attached by ClinVar (database versions not stated): gnomAD exomes below 0.00001; ExAC 0.00001.
gnomAD v4.1: 7 of 1,609,962 alleles (0.00043%); highest among the groups gnomAD compares: Non-Finnish European, 0.00051%; no homozygotes.

Submissions (11):

PreventionGenetics, part of Exact Sciences
Classification: Pathogenic for GLMN-related condition. Last evaluated: 2026-08-05. Review status: criteria provided, single submitter. Criteria: ACMG Guidelines, 2015. Collection method: clinical testing. Allele origin: germline.
Comment: The GLMN c.108C>A variant is predicted to result in premature protein termination (p.Cys36*). This variant has been reported in the heterozygous state in multiple individuals with glomuvenous malformations (see for example: Brouillard et al. 2002. PubMed ID: 11845407; Borroni et al. 2014. PubMed ID: 24345188; Mattassi et al. 2017. PubMed ID: 28655553). This variant is reported in 0.00088% of alleles in individuals of European (non-Finnish) descent in gnomAD and is interpreted as pathogenic or likely pathogenic in ClinVar (Variation ID: 523551). Nonsense variants in GLMN are expected to be pathogenic. This variant is interpreted as pathogenic.

Blueprint Genetics
Classification: Pathogenic for GLMN-related disorders. Last evaluated: 2024-11-15. Review status: criteria provided, single submitter. Criteria: ACMG Guidelines, 2015. Collection method: clinical testing. Allele origin: germline. Affected: yes. Observed: 5 variant alleles.

GeneDx
Classification: Pathogenic. Last evaluated: 2024-05-19. Review status: criteria provided, single submitter. Criteria: GeneDx Variant Classification Process June 2021. Collection method: clinical testing. Allele origin: germline. Affected: yes.
Comment: Not observed at significant frequency in large population cohorts (gnomAD); Nonsense variant predicted to result in protein truncation or nonsense mediated decay in a gene for which loss of function is a known mechanism of disease; This variant is associated with the following publications: (PMID: 32538359, 23375657, 15689436, 24345188, 25525159, 19250411, 28655553, 34426522, 35216474, 35807022, 35732373, 11845407)

CeGaT Center for Human Genetics Tuebingen
Classification: Pathogenic. Last evaluated: 2024-02-01. Review status: criteria provided, single submitter. Criteria: CeGaT Center For Human Genetics Tuebingen Variant Classification Criteria Version 2. Collection method: clinical testing. Allele origin: germline. Affected: yes. Observed: 3 variant alleles.
Comment: GLMN: PVS1, PM2, PP4, PS4:Supporting

Laboratorio de Genetica e Diagnostico Molecular, Hospital Israelita Albert Einstein
Classification: Pathogenic for Glomuvenous malformation. Last evaluated: 2023-08-12. Review status: criteria provided, single submitter. Criteria: ACMG Guidelines, 2015. Collection method: clinical testing. Allele origin: germline. Affected: yes.
Comment: ACMG classification criteria: PVS1 very strong, PS4 strong, PM2 supporting

Laboratory of Medical Genetics, National & Kapodistrian University of Athens
Classification: Pathogenic for Glomuvenous malformation. Last evaluated: 2022-12-08. Review status: criteria provided, single submitter. Criteria: ACMG Guidelines, 2015. Collection method: clinical testing. Allele origin: germline. Affected: yes.
Comment: PVS1, PM2, PP5

Institute of Human Genetics Munich, TUM University Hospital
Classification: Pathogenic for Glomuvenous malformation. Last evaluated: 2020-01-16. Review status: criteria provided, single submitter. Criteria: Classification criteria August 2017. Collection method: clinical testing. Allele origin: paternal. Inheritance: Autosomal dominant inheritance. Affected: yes. Observed: 1 heterozygote.

Centre for Mendelian Genomics, University Medical Centre Ljubljana
Classification: Pathogenic for Venous malformation. Last evaluated: 2017-01-01. Review status: criteria provided, single submitter. Criteria: ACMG Guidelines, 2015. Collection method: clinical testing. Allele origin: unknown. Affected: yes.

Institute for Medical Genetics and Human Genetics, Charité - Universitätsmedizin Berlin
Classification: Likely pathogenic. Review status: criteria provided, single submitter. Criteria: ACMG Guidelines, 2015. Collection method: not provided. Allele origin: germline. Affected: yes.

Clinical Genetics DNA and cytogenetics Diagnostics Lab, Erasmus MC, Erasmus Medical Center
Classification: Pathogenic. Review status: no assertion criteria provided. Collection method: clinical testing. Allele origin: germline. Affected: yes. Study: VKGL Data-share Consensus. Not counted in ClinVar's aggregate classification.

Clinical Genetics, Academic Medical Center
Classification: Pathogenic. Review status: no assertion criteria provided. Collection method: clinical testing. Allele origin: germline. Affected: yes. Study: VKGL Data-share Consensus. Not counted in ClinVar's aggregate classification.